The following continues an entry in ClinVar:

NM_000329.3(RPE65):c.1451G>A (p.Gly484Asp)

Gene: RPE65. ClinVar aggregate classification (germline): Likely pathogenic. Likely pathogenic (1).

Submissions 9 to 14 of 14:

Institute of Medical Genetics and Applied Genomics, University Hospital Tübingen
Classification: Pathogenic for Leber congenital amaurosis. Last evaluated: 2023-07-12. Review status: criteria provided, single submitter. Criteria: ACMG Guidelines, 2015. Collection method: clinical testing. Allele origin: germline. Inheritance: Autosomal recessive inheritance. Affected: yes. Not counted in ClinVar's aggregate classification.

Blueprint Genetics
Classification: Pathogenic for RPE65-related disorders. Last evaluated: 2022-07-21. Review status: criteria provided, single submitter. Criteria: ACMG Guidelines, 2015. Collection method: clinical testing. Allele origin: germline. Affected: yes. Observed: 4 variant alleles. Not counted in ClinVar's aggregate classification.

Revvity Omics, Revvity
Classification: Likely pathogenic. Last evaluated: 2020-11-03. Review status: criteria provided, single submitter. Criteria: ACMG Guidelines, 2015. Collection method: clinical testing. Allele origin: germline. Not counted in ClinVar's aggregate classification.

GeneDx
Classification: Likely pathogenic. Last evaluated: 2016-08-16. Review status: criteria provided, single submitter. Criteria: GeneDx Variant Classification (06012015). Collection method: clinical testing. Allele origin: germline. Affected: yes. Not counted in ClinVar's aggregate classification.
Comment: The G484D variant has been reported previously in association with autosomal recessive retinitis pigmentosa (Stone et al., 2003) and in another individual with Severe Early Childhood Onset Retinal Dystrophy (SECORD) presenting with a remarkable preservation of vision with adequate lighting and white retinal dots that were seen to fade with time and were replaced by RPE changes (Weleber et al., 2011). The G484D variant was not observed in approximately 6,500 individuals of European and African American ancestry in the NHLBI Exome Sequencing Project, indicating it is not a common benign variant in these populations. The G484D variant is a non-conservative amino acid substitution, which is likely to impact secondary protein structure as these residues differ in polarity, charge, size and/or other properties. This substitution occurs at a position that is conserved across species. In silico analysis predicts this variant is probably damaging to the protein structure/function. One other variant in a nearby residue (D477G) has been reported in the Human Gene Mutation Database in association with and RPE65-related disorder (Stenson et al., 2014). Therefore, based on the currently available information, G484D is a likely pathogenic variant.

Laboratory of Genetics in Ophthalmology, Institut Imagine
Classification: Likely pathogenic for Leber congenital amaurosis 2. Review status: no assertion criteria provided. Collection method: research. Allele origin: inherited. Affected: yes. Observed: 2 variant alleles. Not counted in ClinVar's aggregate classification.

Retina International
No classification provided. Review status: no classification provided. Collection method: not provided. Allele origin: not provided. Not counted in ClinVar's aggregate classification.

Literature cited by the submitters: PubMed 30025081 (cited by 3 submitters); PubMed 32347917 (cited by Natera, Inc. and Myriad Genetics, Inc.); PubMed 30653986 (cited by 3 submitters); PubMed 28130426 (cited by Women's Health and Genetics/Laboratory Corporation of America, LabCorp); PubMed 34492281 (cited by Women's Health and Genetics/Laboratory Corporation of America, LabCorp); PubMed 30268864 (cited by Women's Health and Genetics/Laboratory Corporation of America, LabCorp and Myriad Genetics, Inc.); PubMed 30924848 (cited by Women's Health and Genetics/Laboratory Corporation of America, LabCorp); PubMed 20811047 (cited by 3 submitters); PubMed 38002999 (cited by Myriad Genetics, Inc.); PubMed 29332120 (cited by Labcorp Genetics (formerly Invitae), Labcorp); PubMed 33308271 (cited by Labcorp Genetics (formerly Invitae), Labcorp).